The following is an entry in ClinVar:

NM_001267550.2(TTN):c.48334del (p.Asp16111_Leu16112insTer)

Genes: TTN (titin; minus strand), TTN-AS1 (TTN antisense RNA 1; plus strand). Cytogenetic location: 2q31.2.
Variant type: Deletion.
Coding change: c.48334del on transcript NM_001267550.2 (MANE Select); coding-DNA position 48334, one base deleted (C; older notation c.48334delC).
Protein change: p.Asp16111_Leu16112insTer.
Molecular consequence: nonsense.
Genome position (GRCh38, 1-based): chr2:178,615,767, G deleted on the plus strand (C on the coding strand, the reverse complement: TTN is on the minus strand). VCF-style (leftmost placement, unchanged base first): chr2-178615766-AG-A. GRCh37 (hg19) VCF-style: chr2-179480493-AG-A.
Other names: c.43411del, p.Asp14470_Leu14471insTer (NM_001256850.1); c.21139del, p.Asp7046_Leu7047insTer (NM_003319.4); c.40630del, p.Asp13543_Leu13544insTer (NM_133378.4); c.21514del, p.Asp7171_Leu7172insTer (NM_133432.3); c.21715del, p.Asp7238_Leu7239insTer (NM_133437.4); c.21139delC (NM_003319.4).
Identifiers: ClinVar variation 3223219 (VCV003223219.3), dbSNP rs2470763679, ClinGen allele CA2825001040.

ClinVar aggregate classification (germline): Likely pathogenic. Review status: criteria provided, multiple submitters, no conflicts (2 of 4 stars). 2 submissions from 2 submitters: Likely pathogenic (2). Last evaluated 2025-03-18.

Conditions:
Cardiovascular phenotype. Identifiers: MedGen CN230736.
Autosomal recessive limb-girdle muscular dystrophy type 2J (LGMDR10). Also called: Limb-girdle muscular dystrophy, type 2J; MUSCULAR DYSTROPHY, LIMB-GIRDLE, AUTOSOMAL RECESSIVE 10. Identifiers: Orphanet 140922, MedGen C1837342, MONDO:0012127, OMIM 608807.
Dilated cardiomyopathy 1G (CMD1G). Identifiers: Orphanet 154, MedGen C1858763, MONDO:0011400, OMIM 604145.

Submissions (2):

Labcorp Genetics (formerly Invitae), Labcorp
Classification: Likely pathogenic for Dilated cardiomyopathy 1G; Autosomal recessive limb-girdle muscular dystrophy type 2J. Last evaluated: 2025-03-18. Review status: criteria provided, single submitter. Criteria: Invitae Variant Classification Sherloc (09022015). Collection method: clinical testing. Allele origin: germline.
Comment: This sequence change creates a premature translational stop signal (p.Leu16112*) in the TTN gene. While this is not anticipated to result in nonsense mediated decay, it is expected to disrupt the last 19880 amino acid(s) of the TTN protein. This variant is not present in population databases (gnomAD no frequency). This premature translational stop signal has been observed in individual(s) with autosomal dominant dilated cardiomyopathy (internal data). ClinVar contains an entry for this variant (Variation ID: 3223219). This variant is located in the A band of TTN (PMID: 25589632). Truncating variants in this region are significantly overrepresented in patients affected with dilated cardiomyopathy (PMID: 25589632). Truncating variants in this region have also been reported in individuals affected with autosomal recessive centronuclear myopathy (PMID: 23975875). In summary, the currently available evidence indicates that the variant is pathogenic, but additional data are needed to prove that conclusively. Therefore, this variant has been classified as Likely Pathogenic.

Ambry Genetics
Classification: Likely pathogenic for Cardiovascular phenotype. Last evaluated: 2023-12-05. Review status: criteria provided, single submitter. Criteria: Ambry Variant Classification Scheme 2023. Collection method: clinical testing. Allele origin: germline.
Comment: The c.21139delC variant, located in coding exon 85 of the TTN gene, results from a deletion of one nucleotide at nucleotide position 21139, causing a translational frameshift with a predicted alternate stop codon (p.L7047*). This exon is located in the A-band region of the N2-B isoform of the titin protein and is constitutively expressed in TTN transcripts (percent spliced in or PSI 100%). This variant is considered to be rare based on population cohorts in the Genome Aggregation Database (gnomAD). This alteration is expected to result in loss of function by premature protein truncation or nonsense-mediated mRNA decay. While truncating variants in TTN are present in 1-3% of the general population, truncating variants in the A-band are the most common cause of dilated cardiomyopathy (DCM) (Herman DS et al. N. Engl. J. Med., 2012 Feb;366:619-28; Roberts AM et al. Sci Transl Med, 2015 Jan;7:270ra6). TTN truncating variants encoded in constitutive exons (PSI >90%) have been found to be significantly associated with DCM regardless of their position in titin (Schafer S et al. Nat. Genet., 2017 01;49:46-53). Based on the majority of available evidence to date, this variant is likely to be pathogenic.

Literature cited by the submitters: PubMed 25589632 (cited by Labcorp Genetics (formerly Invitae), Labcorp); PubMed 23975875 (cited by Labcorp Genetics (formerly Invitae), Labcorp).